The following is an entry in ClinVar:

NM_001312673.2(PCYT1A):c.1042C>G (p.Pro348Ala)

Gene: PCYT1A (phosphate cytidylyltransferase 1A, choline; minus strand). Cytogenetic location: 3q29.
Variant type: single nucleotide variant.
Coding change: c.1042C>G on transcript NM_001312673.2 (MANE Select); coding-DNA position 1042, C replaced by G.
Protein change: p.Pro348Ala; replaces proline 348 with alanine.
Molecular consequence: missense variant.
Genome position (GRCh38, 1-based): chr3:196,238,750, G>C on the plus strand (C>G on the coding strand, the complement: PCYT1A is on the minus strand). VCF-style: chr3-196238750-G-C. GRCh37 (hg19) VCF-style: chr3-195965621-G-C.
Other names: c.1042C>G, p.Pro348Ala (NM_005017.4); c.1042C>G (NM_005017.2); short protein forms P348A.
Identifiers: ClinVar variation 849607 (VCV000849607.7), dbSNP rs369326424, ClinGen allele CA90849705.

ClinVar aggregate classification (germline): Uncertain significance. Review status: criteria provided, multiple submitters, no conflicts (2 of 4 stars). 3 submissions from 3 submitters: Uncertain significance (3). Last evaluated 2025-07-02.

Conditions:
Inborn genetic diseases. Identifiers: MedGen C0950123, MeSH D030342.

Allele frequency attached by ClinVar (database versions not stated): TOPMed 0.00006.
gnomAD v4.1: 38 of 1,592,178 alleles (0.0024%); highest among the groups gnomAD compares: Admixed American, 0.053%; no homozygotes.

Submissions (3):

Ambry Genetics
Classification: Uncertain significance for Inborn genetic diseases. Last evaluated: 2025-07-02. Review status: criteria provided, single submitter. Criteria: Ambry Variant Classification Scheme 2023. Collection method: clinical testing. Allele origin: germline.

Blueprint Genetics
Classification: Uncertain significance. Last evaluated: 2023-10-09. Review status: criteria provided, single submitter. Criteria: ACMG Guidelines, 2015. Collection method: clinical testing. Allele origin: germline.

Labcorp Genetics (formerly Invitae), Labcorp
Classification: Uncertain significance. Last evaluated: 2022-09-06. Review status: criteria provided, single submitter. Criteria: Invitae Variant Classification Sherloc (09022015). Collection method: clinical testing. Allele origin: germline.
Comment: This sequence change replaces proline, which is neutral and non-polar, with alanine, which is neutral and non-polar, at codon 348 of the PCYT1A protein (p.Pro348Ala). This variant is present in population databases (no rsID available, gnomAD 0.0009%). This variant has not been reported in the literature in individuals affected with PCYT1A-related conditions. ClinVar contains an entry for this variant (Variation ID: 849607). Advanced modeling of protein sequence and biophysical properties (such as structural, functional, and spatial information, amino acid conservation, physicochemical variation, residue mobility, and thermodynamic stability) performed at Invitae indicates that this missense variant is not expected to disrupt PCYT1A protein function. In summary, the available evidence is currently insufficient to determine the role of this variant in disease. Therefore, it has been classified as a Variant of Uncertain Significance.